The following is an entry in ClinVar:

ClinVar aggregate classification (germline): Uncertain significance. Review status: criteria provided, multiple submitters, no conflicts (2 of 4 stars). 3 submissions from 3 submitters: Uncertain significance (3). Last evaluated 2025-07-30.

Conditions:
Hereditary cancer-predisposing syndrome. Also called: Neoplastic Syndromes, Hereditary; Hereditary neoplastic syndrome; Hereditary Cancer Syndrome; Tumor predisposition. Identifiers: Orphanet 140162, MedGen C0027672, MeSH D009386, MONDO:0015356.
Oligodontia-cancer predisposition syndrome. Also called: TOOTH AGENESIS-COLORECTAL CANCER SYNDROME. Identifiers: Orphanet 300576, MedGen C1837750, MONDO:0012075, OMIM 608615. Disease mechanism: loss of function.

gnomAD v4.1: 7 of 1,603,000 alleles (0.00044%); highest among the groups gnomAD compares: Non-Finnish European, 0.00043%; no homozygotes.

Submissions (3):

Labcorp Genetics (formerly Invitae), Labcorp
Classification: Uncertain significance for Oligodontia-cancer predisposition syndrome. Last evaluated: 2025-07-30. Review status: criteria provided, single submitter. Criteria: Invitae Variant Classification Sherloc (09022015). Collection method: clinical testing. Allele origin: germline.
Comment: This sequence change replaces serine, which is neutral and polar, with phenylalanine, which is neutral and non-polar, at codon 70 of the AXIN2 protein (p.Ser70Phe). This variant is not present in population databases (gnomAD no frequency). This variant has not been reported in the literature in individuals affected with AXIN2-related conditions. ClinVar contains an entry for this variant (Variation ID: 449858). Invitae Evidence Modeling of protein sequence and biophysical properties (such as structural, functional, and spatial information, amino acid conservation, physicochemical variation, residue mobility, and thermodynamic stability) indicates that this missense variant is expected to disrupt AXIN2 protein function with a positive predictive value of 80%. In summary, the available evidence is currently insufficient to determine the role of this variant in disease. Therefore, it has been classified as a Variant of Uncertain Significance.

Ambry Genetics
Classification: Uncertain significance for Hereditary cancer-predisposing syndrome. Last evaluated: 2024-08-02. Review status: criteria provided, single submitter. Criteria: Ambry Variant Classification Scheme 2023. Collection method: clinical testing. Allele origin: germline.
Comment: The p.S70F variant (also known as c.209C>T), located in coding exon 1 of the AXIN2 gene, results from a C to T substitution at nucleotide position 209. The serine at codon 70 is replaced by phenylalanine, an amino acid with highly dissimilar properties. This amino acid position is conserved. In addition, this alteration is predicted to be tolerated by in silico analysis. Since supporting evidence is limited at this time, the clinical significance of this alteration remains unclear.

GeneDx
Classification: Uncertain significance. Last evaluated: 2017-02-22. Review status: criteria provided, single submitter. Criteria: GeneDx Variant Classification (06012015). Collection method: clinical testing. Allele origin: germline. Affected: yes.
Comment: This variant is denoted AXIN2 c.209C>T at the cDNA level, p.Ser70Phe (S70F) at the protein level, and results in the change of a Serine to a Phenylalanine (TCT>TTT). This variant has not, to our knowledge, been published in the literature as pathogenic or benign. AXIN2 Ser70Phe was not observed in large population cohorts (NHLBI Exome Sequencing Project, The 1000 Genomes Consortium 2015, Lek 2016). Since Serine and Phenylalanine differ in polarity, charge, size or other properties, this is considered a non-conservative amino acid substitution. AXIN2 Ser70Phe occurs at a position that is conserved across species and is not located in a known functional domain. In silico analyses predict that this variant is probably damaging to protein structure and function. Based on currently available evidence, it is unclear whether AXIN2 Ser70Phe is a pathogenic or benign variant. We consider it to be a variant of uncertain significance.

NM_004655.4(AXIN2):c.209C>T (p.Ser70Phe)

Gene: AXIN2 (axin 2; minus strand). Cytogenetic location: 17q24.1.
Variant type: single nucleotide variant.
Coding change: c.209C>T on transcript NM_004655.4 (MANE Select); coding-DNA position 209, C replaced by T.
Protein change: p.Ser70Phe; replaces serine 70 with phenylalanine.
Molecular consequence: missense variant.
Genome position (GRCh38, 1-based): chr17:65,558,412, G>A on the plus strand (C>T on the coding strand, the complement: AXIN2 is on the minus strand). VCF-style: chr17-65558412-G-A. GRCh37 (hg19) VCF-style: chr17-63554530-G-A.
Other names: c.209C>T (LRG_296t1); c.209C>T, p.Ser70Phe (NM_001363813.1); short protein forms S70F.
Identifiers: ClinVar variation 449858 (VCV000449858.15), dbSNP rs1555583645, ClinGen allele CA400681891.